The following is an entry in ClinVar:

NM_006420.3(ARFGEF2):c.4334G>A (p.Arg1445Gln)

Gene: ARFGEF2 (ARF guanine nucleotide exchange factor 2; plus strand). Cytogenetic location: 20q13.13.
Variant type: single nucleotide variant.
Coding change: c.4334G>A on transcript NM_006420.3 (MANE Select); coding-DNA position 4334, G replaced by A.
Protein change: p.Arg1445Gln; replaces arginine 1445 with glutamine.
Molecular consequence: missense variant.
Genome position (GRCh38, 1-based): chr20:49,017,267, G>A. VCF-style: chr20-49017267-G-A. GRCh37 (hg19) VCF-style: chr20-47633804-G-A.
Other names: c.4331G>A, p.Arg1444Gln (NM_001410846.1); short protein forms R1445Q, R1444Q.
Identifiers: ClinVar variation 3571846 (VCV003571846.2).

ClinVar aggregate classification (germline): Uncertain significance. Review status: criteria provided, multiple submitters, no conflicts (2 of 4 stars). 2 submissions from 2 submitters: Uncertain significance (2). Last evaluated 2025-09-29.

Conditions:
Inborn genetic diseases. Identifiers: MedGen C0950123, MeSH D030342.

gnomAD v4.1: 45 of 1,613,818 alleles (0.0028%); highest among the groups gnomAD compares: African/African-American, 0.0067%; no homozygotes.

Submissions (2):

Ambry Genetics
Classification: Uncertain significance for Inborn genetic diseases. Last evaluated: 2025-09-29. Review status: criteria provided, single submitter. Criteria: Ambry Variant Classification Scheme 2023. Collection method: clinical testing. Allele origin: germline.

Athena Diagnostics
Classification: Uncertain significance. Last evaluated: 2024-09-16. Review status: criteria provided, single submitter. Criteria: Athena Diagnostics Criteria. Collection method: clinical testing. Allele origin: unknown.
Comment: Available data are insufficient to determine the clinical significance of the variant at this time. The frequency of this variant in the general population is uninformative in assessment of its pathogenicity. Polyphen and MutationTaster yielded discordant predictions regarding whether this amino acid change is damaging to the protein.